The following is an entry in ClinVar:

ClinVar aggregate classification (germline): Likely pathogenic. Review status: criteria provided, multiple submitters, no conflicts (2 of 4 stars). 2 submissions from 2 submitters: Likely pathogenic (2). Last evaluated 2025-08-05.

Conditions:
Autosomal recessive titinopathy. Identifiers: MedGen CN315649, MONDO:0100493.
Dilated cardiomyopathy 1G (CMD1G). Identifiers: Orphanet 154, MedGen C1858763, MONDO:0011400, OMIM 604145.
Autosomal recessive limb-girdle muscular dystrophy type 2J (LGMDR10). Also called: Limb-girdle muscular dystrophy, type 2J; MUSCULAR DYSTROPHY, LIMB-GIRDLE, AUTOSOMAL RECESSIVE 10. Identifiers: Orphanet 140922, MedGen C1837342, MONDO:0012127, OMIM 608807.

Allele frequency attached by ClinVar (database versions not stated): gnomAD exomes below 0.00001 and 0.00001; ExAC 0.00001; gnomAD 0.00001; TOPMed 0.00001.
gnomAD v4.1: 4 of 1,612,224 alleles (0.00025%); highest among the groups gnomAD compares: Non-Finnish European, 0.00034%; no homozygotes.

Submissions (2):

Labcorp Genetics (formerly Invitae), Labcorp
Classification: Likely pathogenic for Dilated cardiomyopathy 1G; Autosomal recessive limb-girdle muscular dystrophy type 2J. Last evaluated: 2025-08-05. Review status: criteria provided, single submitter. Criteria: Invitae Variant Classification Sherloc (09022015). Collection method: clinical testing. Allele origin: germline.
Comment: This sequence change affects a donor splice site in intron 256 of the TTN gene. It is expected to disrupt RNA splicing and likely results in a truncated or disrupted TTN protein. This variant is present in population databases (rs779498825, gnomAD 0.002%). This variant has not been reported in the literature in individuals affected with TTN-related conditions. ClinVar contains an entry for this variant (Variation ID: 1467404). Algorithms developed to predict the effect of sequence changes on RNA splicing suggest that this variant may disrupt the consensus splice site. This variant is located in the A band of TTN (PMID: 25589632). Truncating variants in this region are significantly overrepresented in patients affected with dilated cardiomyopathy (PMID: 25589632). Truncating variants in this region have also been reported in individuals affected with autosomal recessive centronuclear myopathy (PMID: 23975875). In summary, the currently available evidence indicates that the variant is pathogenic, but additional data are needed to prove that conclusively. Therefore, this variant has been classified as Likely Pathogenic.

Women's Health and Genetics/Laboratory Corporation of America, LabCorp
Classification: Likely pathogenic for Autosomal recessive titinopathy. Last evaluated: 2025-07-11. Review status: criteria provided, single submitter. Criteria: LabCorp Variant Classification Summary - May 2015. Collection method: clinical testing. Allele origin: germline.
Comment: Variant summary: TTN NM_133378:c.40456+1G>C also known as NM_001267550:c.48160+1G>C, is located in a canonical splice-site and is predicted to affect mRNA splicing resulting in a significantly altered protein due to either exon skipping, shortening, or inclusion of intronic material. Variants that disrupt the consensus splice site are a relatively common cause of aberrant splicing and loss of TTN function. Loss of function variants in all TTN bands are strongly associated with a spectrum of autosomal recessive titinopathies when exon expression (proportion spliced in, PSI, 1=complete expression) in skeletal muscle is >0.1 (PMID: 36977548, 39198997, 29598826, 32778822, 29691892, 33449170, 36977548, internal data). In contrast, loss of function variants in all TTN bands are only strongly associated with autosomal dominant TTN-related cardiomyopathies if located in exons constitutively expressed (PSI >0.9) in cardiac muscle, excluding extreme C-terminal exons 359-363 (PMID: 25589632, 31216868, 32964742, 34662387, 27869827, Shetty et al., Nat Cardiovasc Res 2024,, internal data). This variant has a maximum skeletal muscle PSI of 0.964 and a maximum cardiac muscle PSI of 1.0. Several computational tools predict a significant impact on normal splicing: Four predict the variant abolishes a 5' splicing donor site. However, these predictions have yet to be confirmed by functional studies. The variant allele was found at a frequency of 8.1e-06 in 247624 control chromosomes. c.40456+1G>C has been observed in heterozygous individual(s) affected with atrial fibrillation (Choi_2020, Huang_2021) and compound heterozygous in an individual with muscular dystrophy (Beecroft_2020). To our knowledge, no experimental evidence demonstrating an impact on protein function has been reported. The following publications have been ascertained in the context of this evaluation (PMID: 32153140, 31691645, 33373724). ClinVar contains an entry for this variant (Variation ID: 1467404). Based on the evidence outlined above, the variant was classified as likely pathogenic for both autosomal dominant and autosomal recessive TTN-related conditions.

Literature cited by the submitters: PubMed 25589632 (cited by Labcorp Genetics (formerly Invitae), Labcorp); PubMed 23975875 (cited by Labcorp Genetics (formerly Invitae), Labcorp); PubMed 31691645 (cited by Women's Health and Genetics/Laboratory Corporation of America, LabCorp); PubMed 33373724 (cited by Women's Health and Genetics/Laboratory Corporation of America, LabCorp); PubMed 32153140 (cited by Women's Health and Genetics/Laboratory Corporation of America, LabCorp).

NM_001267550.2(TTN):c.48160+1G>C

Genes: TTN-AS1 (TTN antisense RNA 1; plus strand), TTN (titin; minus strand). Cytogenetic location: 2q31.2.
Variant type: single nucleotide variant.
Coding change: c.48160+1G>C on transcript NM_001267550.2 (MANE Select); the canonical splice donor site of the intron after coding-DNA position 48160, G replaced by C.
Molecular consequence: splice donor variant.
Genome position (GRCh38, 1-based): chr2:178,616,728, C>G on the plus strand (G>C on the coding strand, the complement: TTN is on the minus strand). VCF-style: chr2-178616728-C-G. GRCh37 (hg19) VCF-style: chr2-179481455-C-G.
Other names: c.20965+1G>C (NM_003319.4); c.21541+1G>C (NM_133437.4); c.21340+1G>C (NM_133432.3); c.40456+1G>C (NM_133378.4); c.43237+1G>C (NM_001256850.1).
Identifiers: ClinVar variation 1467404 (VCV001467404.9), dbSNP rs779498825, ClinGen allele CA1994908.